The following is an entry in ClinVar:

ClinVar aggregate classification (germline): Likely pathogenic (1 of 4 stars; one submission).

Conditions:
Specific granule deficiency 2 (SGD2). Identifiers: MedGen C4479548, MONDO:0044208, OMIM 617475.

Allele frequency attached by ClinVar (database versions not stated): gnomAD 0.00001.

Submission:

Neuberg Centre For Genomic Medicine, NCGM
Classification: Likely pathogenic for Specific granule deficiency 2. Last evaluated: 2023-07-22. Review status: criteria provided, single submitter. Criteria: ACMG Guidelines, 2015. Collection method: clinical testing. Allele origin: germline. Inheritance: Autosomal recessive inheritance. Affected: yes.
Comment: The observed stop gained variant c.391C>Tp.Gln131Ter in SMARCD2 gene has not been reported previously as a pathogenic variant nor as a benign variant, to our knowledge. This variant is absent in gnomAD Exomes. The nucleotide change c.391C>T in SMARCD2 is predicted as conserved by GERP++ and PhyloP across 100 vertebrates. This variant is predicted to cause loss of normal protein function through protein truncation. Loss of function variants have been previously reported to be disease causing Witzel M, et al., 2017. For these reasons, this variant has been classified as Likely Pathogenic.

NM_001098426.2(SMARCD2):c.391C>T (p.Gln131Ter)

Gene: SMARCD2 (SWI/SNF related BAF chromatin remodeling complex subunit D2; minus strand). Cytogenetic location: 17q23.3.
Variant type: single nucleotide variant.
Coding change: c.391C>T on transcript NM_001098426.2 (MANE Select); coding-DNA position 391, C replaced by T.
Protein change: p.Gln131Ter; replaces glutamine 131 with a stop codon.
Molecular consequence: nonsense.
Genome position (GRCh38, 1-based): chr17:63,837,451, G>A on the plus strand (C>T on the coding strand, the complement: SMARCD2 is on the minus strand). VCF-style: chr17-63837451-G-A. GRCh37 (hg19) VCF-style: chr17-61914811-G-A.
Other names: c.166C>T, p.Gln56Ter (NM_001330439.1); c.247C>T, p.Gln83Ter (NM_001330440.2); short protein forms Q56*, Q83*, Q131*.
Identifiers: ClinVar variation 2585369 (VCV002585369.2), dbSNP rs2040280183, ClinGen allele CA400601463.
Genomic context (GRCh38, chr17:63,837,451, plus strand): 5'-CTACCACCAGAGCTGAGTTAGGCAGAGTGAGAGAAGCAGGATGCTCTTACCCCCGGCGCT[G>A]GGCAGGCATGGGAGGCTGCGCCTGGGGCACAAGCAGGCGTTTTCGGAATGGATCCATCAT-3'